The following is an entry in ClinVar:

NM_017514.5(PLXNA3):c.5C>T (p.Pro2Leu)

Gene: PLXNA3 (plexin A3; plus strand). Cytogenetic location: Xq28.
Variant type: single nucleotide variant.
Coding change: c.5C>T on transcript NM_017514.5 (MANE Select); coding-DNA position 5, C replaced by T.
Protein change: p.Pro2Leu; replaces proline 2 with leucine.
Molecular consequence: missense variant.
Genome position (GRCh38, 1-based): chrX:154,460,188, C>T. VCF-style: chrX-154460188-C-T. GRCh37 (hg19) VCF-style: chrX-153688528-C-T.
Other names: short protein forms P2L.
Identifiers: ClinVar variation 4979390 (VCV004979390.1).
Genomic context (GRCh38, chrX:154,460,188, plus strand): 5'-TCTGACTCCCACACACCGTCTCTCCCTAGGCCTGTCCCCAGGCGCGGCTGCCGGCCATGC[C>T]CTCTGTCTGCCTCCTCCTGCTGCTCTTCCTTGCCGTGGGGGGGGCCCTGGGCAACAGGCC-3'
Protein context (NP_059984.3, residues 1-12): M[Pro2Leu]SVCLLLLLFL

ClinVar aggregate classification (germline): Uncertain significance (1 of 4 stars; one submission).

Conditions:
PLXNA3-related disorder. Also called: PLXNA3-related condition.

gnomAD v4.1: 27 of 1,197,528 alleles (0.0023%); highest among the groups gnomAD compares: East Asian, 0.003%; no homozygotes.

Submission:

PreventionGenetics, part of Exact Sciences
Classification: Uncertain significance for PLXNA3-related condition. Last evaluated: 2026-02-26. Review status: criteria provided, single submitter. Criteria: ACMG Guidelines, 2015. Collection method: clinical testing. Allele origin: germline.
Comment: The PLXNA3 c.5C>T variant is predicted to result in the amino acid substitution p.Pro2Leu. To our knowledge, this variant has not been reported in the literature. This variant is reported in 0.049% of alleles in individuals of European (Finnish) descent in gnomAD including 5 hemizygous individuals. Although we suspect that this variant may be benign, at this time, the clinical significance of this variant is uncertain due to the absence of conclusive functional and genetic evidence.